The following is an entry in ClinVar:

NM_001384900.1(SEMA3D):c.2240G>A (p.Gly747Asp)

Genes: SEMA3D (semaphorin 3D; minus strand), LOC126860094 (BRD4-independent group 4 enhancer GRCh37_chr7:84628763-84629962; plus strand). Cytogenetic location: 7q21.11.
Variant type: single nucleotide variant.
Coding change: c.2240G>A on transcript NM_001384900.1 (MANE Select); coding-DNA position 2240, G replaced by A.
Protein change: p.Gly747Asp; replaces glycine 747 with aspartic acid.
Molecular consequence: missense variant.
Genome position (GRCh38, 1-based): chr7:84,999,534, C>T on the plus strand (G>A on the coding strand, the complement: SEMA3D is on the minus strand). VCF-style: chr7-84999534-C-T. GRCh37 (hg19) VCF-style: chr7-84628850-C-T.
Other names: c.2240G>A, p.Gly747Asp (NM_001384901.1, NM_001384902.1, NM_001384903.1 and 1 more transcripts); short protein forms G747D.
Identifiers: ClinVar variation 4979100 (VCV004979100.1).
Genomic context (GRCh38, chr7:84,999,534, plus strand): 5'-TCTCTGTGATGTCTTCGATTTCGTTTCTTCTTCATTTCCTGCATGTGCTTCCACTTTGGG[C>T]CCCCCTTGTTTCTCTGTCTCCGCTTCTCCCTGTGCCACATCTGTTCGCAGTACTGGTCGA-3'
Protein context (NP_001371829.1, residues 737-757): REKRRQRNKG[Gly747Asp]PKWKHMQEMK

ClinVar aggregate classification (germline): Uncertain significance (1 of 4 stars; one submission).

Conditions:
SEMA3D-related disorder. Also called: SEMA3D-related condition.

gnomAD v4.1: 6 of 1,613,910 alleles (0.00037%); highest among the groups gnomAD compares: African/African-American, 0.004%; no homozygotes.

Submission:

PreventionGenetics, part of Exact Sciences
Classification: Uncertain significance for SEMA3D-related condition. Last evaluated: 2025-03-09. Review status: criteria provided, single submitter. Criteria: ACMG Guidelines, 2015. Collection method: clinical testing. Allele origin: germline.
Comment: The SEMA3D c.2240G>A variant is predicted to result in the amino acid substitution p.Gly747Asp. To our knowledge, this variant has not been reported in the literature. This variant is reported in 0.012% of alleles in individuals of African descent in gnomAD. At this time, the clinical significance of this variant is uncertain due to the absence of conclusive functional and genetic evidence.